The following is an entry in ClinVar:

ClinVar aggregate classification (germline): Benign/Likely benign. Review status: criteria provided, multiple submitters, no conflicts (2 of 4 stars). 10 submissions from 10 submitters: Benign (5); Likely benign (3). 2 of the submissions do not count toward it. Last evaluated 2026-07-01.

Conditions:
VPS13A-related disorder. Also called: VPS13A-related condition.
VPS13A-related neurodegenerative disease. Also called: ACANTHOCYTOSIS WITH NEUROLOGIC DISORDER; Choreoacanthocytosis; Chorea-acanthocytosis; VPS13A Disease; LEVINE-CRITCHLEY SYNDROME; Choreaacanthocytosis. Identifiers: Orphanet 2388, MedGen C0393576, MONDO:0008695, OMIM 200150.

Allele frequency attached by ClinVar (database versions not stated): 1000 Genomes Project 0.00180; 1000 Genomes Project 30x 0.00187; ExAC 0.00443; gnomAD exomes 0.00487 and 0.00867; ESP Exome Variant Server 0.00515; TOPMed 0.00542.
gnomAD v4.1: 13,278 of 1,613,050 alleles (0.82%); highest among the groups gnomAD compares: Non-Finnish European, 1%; 69 homozygotes.

Submissions (10):

CeGaT Center for Human Genetics Tuebingen
Classification: Benign. Last evaluated: 2026-07-01. Review status: criteria provided, single submitter. Criteria: CeGaT Center For Human Genetics Tuebingen Variant Classification Criteria Version 2. Collection method: clinical testing. Allele origin: germline. Affected: yes. Observed: 29 variant alleles.
Comment: VPS13A: BP4, BP7, BS1, BS2

Labcorp Genetics (formerly Invitae), Labcorp
Classification: Benign. Last evaluated: 2026-01-31. Review status: criteria provided, single submitter. Criteria: Invitae Variant Classification Sherloc (09022015). Collection method: clinical testing. Allele origin: germline.

ARUP Laboratories, Molecular Genetics and Genomics, ARUP Laboratories
Classification: Benign for VPS13A-related neurodegenerative disease. Last evaluated: 2025-03-06. Review status: criteria provided, single submitter. Criteria: ARUP Molecular Germline Variant Investigation Process 2024. Collection method: clinical testing. Allele origin: germline.

Mayo Clinic Laboratories, Mayo Clinic
Classification: Benign. Last evaluated: 2023-02-23. Review status: criteria provided, single submitter. Criteria: ACMG Guidelines, 2015. Collection method: clinical testing. Allele origin: germline. Observed: 13 variant alleles.
Comment: BS1, BS2, BP4

GeneDx
Classification: Likely benign. Last evaluated: 2021-04-20. Review status: criteria provided, single submitter. Criteria: GeneDx Variant Classification Process June 2021. Collection method: clinical testing. Allele origin: germline. Affected: yes.

Athena Diagnostics
Classification: Benign. Last evaluated: 2018-04-13. Review status: criteria provided, single submitter. Criteria: Athena Diagnostics Criteria. Collection method: clinical testing. Allele origin: germline.

Illumina Laboratory Services, Illumina
Classification: Likely benign for VPS13A-related neurodegenerative disease. Last evaluated: 2018-01-13. Review status: criteria provided, single submitter. Criteria: ICSL Variant Classification Criteria 13 December 2019. Collection method: clinical testing. Allele origin: germline.
Comment: This variant was observed in the ICSL laboratory as part of a predisposition screen in an ostensibly healthy population. It had not been previously curated by ICSL or reported in the Human Gene Mutation Database (HGMD: prior to June 1st, 2018), and was therefore a candidate for classification through an automated scoring system. Utilizing variant allele frequency, disease prevalence and penetrance estimates, and inheritance mode, an automated score was calculated to assess if this variant is too frequent to cause the disease. Based on the score and internal cut-off values, a variant classified as likely benign is not then subjected to further curation. The score for this variant resulted in a classification of likely benign for this disease.

Breakthrough Genomics
Classification: Likely benign. Review status: criteria provided, single submitter. Criteria: ACMG Guidelines, 2015. Collection method: not provided. Allele origin: germline. Inheritance: Autosomal recessive inheritance. Affected: yes.

Natera, Inc.
Classification: Benign for Choreaacanthocytosis. Last evaluated: 2020-09-16. Review status: no assertion criteria provided. Collection method: clinical testing. Allele origin: germline. Not counted in ClinVar's aggregate classification.

PreventionGenetics, part of Exact Sciences
Classification: Benign for VPS13A-related condition. Last evaluated: 2019-05-02. Review status: no assertion criteria provided. Collection method: clinical testing. Allele origin: germline. Not counted in ClinVar's aggregate classification.
Comment: This variant is classified as benign based on ACMG/AMP sequence variant interpretation guidelines (Richards et al. 2015 PMID: 25741868, with internal and published modifications).

NM_033305.3(VPS13A):c.5979C>T (p.Arg1993=)

Gene: VPS13A (vacuolar protein sorting 13 homolog A; plus strand). Cytogenetic location: 9q21.2.
Variant type: single nucleotide variant.
Coding change: c.5979C>T on transcript NM_033305.3 (MANE Select); coding-DNA position 5979, C replaced by T.
Protein change: p.Arg1993=; no amino-acid change (arginine 1993 retained).
Molecular consequence: synonymous variant.
Genome position (GRCh38, 1-based): chr9:77,323,215, C>T. VCF-style: chr9-77323215-C-T. GRCh37 (hg19) VCF-style: chr9-79938131-C-T.
Other names: p.Arg1993=; c.5862C>T, p.Arg1954= (NM_001018037.2); c.5979C>T, p.Arg1993= (NM_001018038.3, NM_015186.4).
Identifiers: ClinVar variation 448868 (VCV000448868.64), dbSNP rs41289971, ClinGen allele CA5092900.